The following is an entry in ClinVar:

NM_001009944.3(PKD1):c.2558_2634del (p.Ala853fs)

Gene: PKD1 (polycystin 1, transient receptor potential channel interacting; minus strand). Cytogenetic location: 16p13.3.
Variant type: Deletion.
Coding change: c.2558_2634del on transcript NM_001009944.3 (MANE Select); coding-DNA positions 2558 to 2634, 77 bases deleted.
Protein change: p.Ala853fs; shifts the reading frame from alanine 853.
Molecular consequence: frameshift variant.
Genome position (GRCh38, 1-based): chr16:2,114,389-2,114,465, 77 bases deleted. GRCh37 (hg19): chr16:2,164,396-2,164,472.
Other names: c.2558_2634del, p.Ala853fs (NM_000296.4); short protein forms A853fs.
Identifiers: ClinVar variation 3377615 (VCV003377615.1).

ClinVar aggregate classification (germline): Likely pathogenic (1 of 4 stars; one submission).

Conditions:
Polycystic kidney disease, adult type (PKD1). Also called: POLYCYSTIC KIDNEY DISEASE, ADULT, TYPE I; Polycystic Kidney Disease 1, Autosomal Dominant; Polycystic kidney disease 1; Polycystic kidney disease 1, severe; Polycystic Kidney, Autosomal Dominant; POLYCYSTIC KIDNEY DISEASE 1 WITH OR WITHOUT POLYCYSTIC LIVER DISEASE. Identifiers: MedGen C3149841, MONDO:0008263, OMIM 173900.

Submission:

Neuberg Centre For Genomic Medicine, NCGM
Classification: Likely pathogenic for Polycystic kidney disease, adult type. Last evaluated: 2023-06-22. Review status: criteria provided, single submitter. Criteria: ACMG Guidelines, 2015. Collection method: clinical testing. Allele origin: germline. Inheritance: Autosomal dominant inheritance. Affected: yes.
Comment: The frameshift variant c.2558_2634del (p.Ala853GlyfsTer26) in the PKD1 gene has not been reported previously as a pathogenic variant nor as a benign variant, to our knowledge. The variant is novel (not in any individuals) in gnomAD Exomes and 1000 Genomes. This variant causes a frameshift starting with codon Alanine 853, changes this amino acid to Glycine residue, and creates a premature Stop codon at position 26 of the new reading frame. This variant is predicted to cause loss of normal protein function through protein truncation. Loss of function variants have been previously reported to be disease causing (Bitarafan et al., 2019). For these reasons, this variant has been classified as Likely Pathogenic.